The following is an entry in ClinVar:

ClinVar aggregate classification (germline): Likely benign. Review status: criteria provided, multiple submitters, no conflicts (2 of 4 stars). 3 submissions from 3 submitters: Likely benign (2). 1 of the submissions does not count toward it. Last evaluated 2025-05-22.

Conditions:
SDCCAG8-related disorder. Also called: SDCCAG8-related condition; SDCCAG8-Related Disorders.
Senior-Loken syndrome 7 (SLSN7). Identifiers: Orphanet 3156, MedGen C3150877, MONDO:0013326, OMIM 613615.
Bardet-Biedl syndrome 16 (BBS16). Identifiers: Orphanet 110, MedGen C3889474, MONDO:0014444, OMIM 615993.

Allele frequency attached by ClinVar (database versions not stated): gnomAD 0.00001 and 0.00002; ExAC 0.00002; gnomAD exomes 0.00002; TOPMed 0.00002.
gnomAD v4.1: 26 of 1,613,942 alleles (0.0016%); highest among the groups gnomAD compares: Middle Eastern, 0.033%; no homozygotes.

Submissions (3):

Labcorp Genetics (formerly Invitae), Labcorp
Classification: Likely benign for Bardet-Biedl syndrome 16; Senior-Loken syndrome 7. Last evaluated: 2025-05-22. Review status: criteria provided, single submitter. Criteria: Invitae Variant Classification Sherloc (09022015). Collection method: clinical testing. Allele origin: germline.

Fulgent Genetics
Classification: Likely benign for Senior-Loken syndrome 7; Bardet-Biedl syndrome 16. Last evaluated: 2021-10-13. Review status: criteria provided, single submitter. Criteria: ACMG Guidelines, 2015. Collection method: clinical testing. Allele origin: unknown.

PreventionGenetics, part of Exact Sciences
Classification: Likely benign for SDCCAG8-related condition. Last evaluated: 2024-04-14. Review status: no assertion criteria provided. Collection method: clinical testing. Allele origin: germline. Not counted in ClinVar's aggregate classification.
Comment: This variant is classified as likely benign based on ACMG/AMP sequence variant interpretation guidelines (Richards et al. 2015 PMID: 25741868, with internal and published modifications).

NM_006642.5(SDCCAG8):c.1503T>C (p.Asp501=)

Gene: SDCCAG8 (SHH signaling and ciliogenesis regulator SDCCAG8; plus strand). Cytogenetic location: 1q43.
Variant type: single nucleotide variant.
Coding change: c.1503T>C on transcript NM_006642.5 (MANE Select); coding-DNA position 1503, T replaced by C.
Protein change: p.Asp501=; no amino-acid change (aspartic acid 501 retained).
Molecular consequence: synonymous variant.
Genome position (GRCh38, 1-based): chr1:243,378,750, T>C. VCF-style: chr1-243378750-T-C. GRCh37 (hg19) VCF-style: chr1-243542052-T-C.
Other names: c.600T>C, p.Asp200= (NM_001350246.2, NM_001350247.2, NM_001350251.2); c.1599T>C, p.Asp533= (NM_001350248.2); c.1209T>C, p.Asp403= (NM_001350249.2).
Identifiers: ClinVar variation 735900 (VCV000735900.11), dbSNP rs757292520, ClinGen allele CA1483668.